The following is an entry in ClinVar:

NM_000051.4(ATM):c.8131G>T (p.Glu2711Ter)

Genes: ATM (ATM serine/threonine kinase; plus strand), C11orf65 (chromosome 11 open reading frame 65; minus strand). Cytogenetic location: 11q22.3.
Variant type: single nucleotide variant.
Coding change: c.8131G>T on transcript NM_000051.4 (MANE Select); coding-DNA position 8131, G replaced by T.
Protein change: p.Glu2711Ter; replaces glutamic acid 2711 with a stop codon.
Molecular consequence: nonsense. On other transcripts: intron variant (2).
Genome position (GRCh38, 1-based): chr11:108,335,089, G>T. VCF-style: chr11-108335089-G-T. GRCh37 (hg19) VCF-style: chr11-108205816-G-T.
Other names: c.8131G>T, p.Glu2711Ter (NM_001351834.2); c.641-26018C>A (NM_001330368.2); c.*38+131C>A (NM_001351110.2); short protein forms E2711*.
Identifiers: ClinVar variation 3450845 (VCV003450845.3).

ClinVar aggregate classification (germline): Pathogenic. Review status: criteria provided, multiple submitters, no conflicts (2 of 4 stars). 2 submissions from 2 submitters: Pathogenic (2). Last evaluated 2024-09-11.

Conditions:
Ataxia-telangiectasia syndrome (AT). Also called: LOUIS-BAR SYNDROME; Cerebello-oculocutaneous telangiectasia; Immunodeficiency with ataxia telangiectasia; ATAXIA-TELANGIECTASIA, COMPLEMENTATION GROUP A; ATAXIA-TELANGIECTASIA, FRESNO VARIANT; Ataxia-telangiectasia. Identifiers: Orphanet 100, MedGen C0004135, MONDO:0008840, OMIM 208900.
Hereditary cancer-predisposing syndrome. Also called: Tumor predisposition; Hereditary Cancer Syndrome; Neoplastic Syndromes, Hereditary; Hereditary neoplastic syndrome. Identifiers: Orphanet 140162, MedGen C0027672, MeSH D009386, MONDO:0015356.

Submissions (2):

Ambry Genetics
Classification: Pathogenic for Hereditary cancer-predisposing syndrome. Last evaluated: 2024-09-11. Review status: criteria provided, single submitter. Criteria: Ambry Variant Classification Scheme 2023. Collection method: clinical testing. Allele origin: germline.
Comment: The p.E2711* pathogenic mutation (also known as c.8131G>T), located in coding exon 54 of the ATM gene, results from a G to T substitution at nucleotide position 8131. This changes the amino acid from a glutamic acid to a stop codon within coding exon 54. This variant is considered to be rare based on population cohorts in the Genome Aggregation Database (gnomAD). This alteration is expected to result in loss of function by premature protein truncation or nonsense-mediated mRNA decay. As such, this alteration is interpreted as a disease-causing mutation.

Labcorp Genetics (formerly Invitae), Labcorp
Classification: Pathogenic for Ataxia-telangiectasia syndrome. Last evaluated: 2024-08-31. Review status: criteria provided, single submitter. Criteria: Invitae Variant Classification Sherloc (09022015). Collection method: clinical testing. Allele origin: germline.
Comment: This sequence change creates a premature translational stop signal (p.Glu2711*) in the ATM gene. It is expected to result in an absent or disrupted protein product. Loss-of-function variants in ATM are known to be pathogenic (PMID: 23807571, 25614872). This variant is not present in population databases (gnomAD no frequency). This variant has not been reported in the literature in individuals affected with ATM-related conditions. For these reasons, this variant has been classified as Pathogenic.

Literature cited by the submitters: PubMed 23807571 (cited by Labcorp Genetics (formerly Invitae), Labcorp); PubMed 25614872 (cited by Labcorp Genetics (formerly Invitae), Labcorp).